The following is an entry in ClinVar:

ClinVar aggregate classification (germline): Uncertain significance (1 of 4 stars; one submission).

Submission:

GeneDx
Classification: Uncertain significance. Last evaluated: 2024-07-16. Review status: criteria provided, single submitter. Criteria: GeneDx Variant Classification Process June 2021. Collection method: clinical testing. Allele origin: germline. Affected: yes.
Comment: Not observed at significant frequency in large population cohorts (gnomAD); In silico analysis indicates that this variant does not alter protein structure/function; Has not been previously published as pathogenic or benign to our knowledge

NM_138459.5(NUS1):c.299_303delinsTT (p.His100_Met101delinsLeu)

Gene: NUS1 (NUS1 dehydrodolichyl diphosphate synthase subunit; plus strand). Cytogenetic location: 6q22.1.
Variant type: Indel.
Coding change: c.299_303delinsTT on transcript NM_138459.5 (MANE Select); coding-DNA positions 299 to 303, ATATG replaced by TT.
Protein change: p.His100_Met101delinsLeu.
Molecular consequence: inframe indel.
Genome position (GRCh38, 1-based): chr6:117,675,969-117,675,973, ATATG replaced by TT. VCF-style: chr6-117675969-ATATG-TT. GRCh37 (hg19) VCF-style: chr6-117997132-ATATG-TT.
Identifiers: ClinVar variation 3573747 (VCV003573747.1).